The following is an entry in ClinVar:

ClinVar aggregate classification (germline): Uncertain significance (1 of 4 stars; one submission).

Submission:

CeGaT Center for Human Genetics Tuebingen
Classification: Uncertain significance. Last evaluated: 2022-07-01. Review status: criteria provided, single submitter. Criteria: CeGaT Center For Human Genetics Tuebingen Variant Classification Criteria Version 2. Collection method: clinical testing. Allele origin: germline. Affected: yes. Observed: 1 variant allele.
Comment: RBM26: PM2, PP3

NM_001366735.2(RBM26):c.2532+3A>G

Gene: RBM26 (RNA binding motif protein 26; minus strand). Cytogenetic location: 13q31.1.
Variant type: single nucleotide variant.
Coding change: c.2532+3A>G on transcript NM_001366735.2 (MANE Select); 3 bases into the intron after coding-DNA position 2532, A replaced by G.
Molecular consequence: intron variant.
Genome position (GRCh38, 1-based): chr13:79,341,120, T>C on the plus strand (A>G on the coding strand, the complement: RBM26 is on the minus strand). VCF-style: chr13-79341120-T-C. GRCh37 (hg19) VCF-style: chr13-79915255-T-C.
Other names: c.2451+3A>G (NM_022118.5); c.2460+3A>G (NM_001286632.2); c.2538+3A>G (NM_001286631.2).
Identifiers: ClinVar variation 2643872 (VCV002643872.24), dbSNP rs2547843110, ClinGen allele CA2695199768.